The following is an entry in ClinVar:

ClinVar aggregate classification (germline): Uncertain significance (1 of 4 stars; one submission).

Conditions:
Myofibrillar myopathy 5. Also called: FILAMINOPATHY, AUTOSOMAL DOMINANT; Filaminopathy (type). Identifiers: Orphanet 171445, MedGen C1836050, MONDO:0012289, OMIM 609524.
Hypertrophic cardiomyopathy 26. Also called: Cardiomyopathy, familial hypertrophic, 26. Identifiers: Orphanet 75249, MedGen C4310749, MONDO:0014883, OMIM 617047.
Distal myopathy with posterior leg and anterior hand involvement. Also called: WILLIAMS DISTAL MYOPATHY. Identifiers: Orphanet 63273, MedGen C3279722, MONDO:0013550, OMIM 614065.

Allele frequency attached by ClinVar (database versions not stated): ExAC 0.00001; gnomAD 0.00001.
gnomAD v4.1: 3 of 1,614,034 alleles (0.00019%); highest among the groups gnomAD compares: Non-Finnish European, 0.00025%; no homozygotes.

Submission:

Labcorp Genetics (formerly Invitae), Labcorp
Classification: Uncertain significance for Distal myopathy with posterior leg and anterior hand involvement; Myofibrillar myopathy 5; Hypertrophic cardiomyopathy 26. Last evaluated: 2021-12-23. Review status: criteria provided, single submitter. Criteria: Invitae Variant Classification Sherloc (09022015). Collection method: clinical testing. Allele origin: germline.
Comment: This sequence change replaces aspartic acid, which is acidic and polar, with glutamic acid, which is acidic and polar, at codon 1580 of the FLNC protein (p.Asp1580Glu). This variant is not present in population databases (gnomAD no frequency). This variant has not been reported in the literature in individuals affected with FLNC-related conditions. Algorithms developed to predict the effect of missense changes on protein structure and function are either unavailable or do not agree on the potential impact of this missense change (SIFT: "Tolerated"; PolyPhen-2: "Probably Damaging"; Align-GVGD: "Class C0"). In summary, the available evidence is currently insufficient to determine the role of this variant in disease. Therefore, it has been classified as a Variant of Uncertain Significance.

NM_001458.5(FLNC):c.4740C>A (p.Asp1580Glu)

Gene: FLNC (filamin C; plus strand). Cytogenetic location: 7q32.1.
Variant type: single nucleotide variant.
Coding change: c.4740C>A on transcript NM_001458.5 (MANE Select); coding-DNA position 4740, C replaced by A.
Protein change: p.Asp1580Glu; replaces aspartic acid 1580 with glutamic acid.
Molecular consequence: missense variant.
Genome position (GRCh38, 1-based): chr7:128,848,795, C>A. VCF-style: chr7-128848795-C-A. GRCh37 (hg19) VCF-style: chr7-128488849-C-A.
Other names: c.4740C>A, p.Asp1580Glu (NM_001127487.2); short protein forms D1580E.
Identifiers: ClinVar variation 2417414 (VCV002417414.7), dbSNP rs759816924, ClinGen allele CA4475450.